The following is an entry in ClinVar:

ClinVar aggregate classification (germline): Pathogenic (1 of 4 stars; one submission).

Allele frequency attached by ClinVar (database versions not stated): gnomAD exomes below 0.00001.
gnomAD v4.1: 2 of 1,613,784 alleles (0.00012%); highest among the groups gnomAD compares: African/African-American, 0.0013%; no homozygotes.

Submission:

Labcorp Genetics (formerly Invitae), Labcorp
Classification: Pathogenic. Last evaluated: 2023-11-13. Review status: criteria provided, single submitter. Criteria: Invitae Variant Classification Sherloc (09022015). Collection method: clinical testing. Allele origin: germline.
Comment: This sequence change creates a premature translational stop signal (p.Glu324*) in the BEST1 gene. It is expected to result in an absent or disrupted protein product. Loss-of-function variants in BEST1 are known to be pathogenic (PMID: 21825197). This variant is not present in population databases (gnomAD no frequency). This variant has not been reported in the literature in individuals affected with BEST1-related conditions. Algorithms developed to predict the effect of sequence changes on RNA splicing suggest that this variant may disrupt the consensus splice site. For these reasons, this variant has been classified as Pathogenic.

Literature cited by the submitters: PubMed 21825197.

NM_004183.4(BEST1):c.970G>T (p.Glu324Ter)

Gene: BEST1 (bestrophin 1; plus strand). Cytogenetic location: 11q12.3.
Variant type: single nucleotide variant.
Coding change: c.970G>T on transcript NM_004183.4 (MANE Select); coding-DNA position 970, G replaced by T.
Protein change: p.Glu324Ter; replaces glutamic acid 324 with a stop codon.
Molecular consequence: nonsense. On other transcripts: missense variant (1), non-coding transcript variant (1).
Genome position (GRCh38, 1-based): chr11:61,959,913, G>T. VCF-style: chr11-61959913-G-T. GRCh37 (hg19) VCF-style: chr11-61727385-G-T.
Other names: c.790G>T, p.Glu264Ter (NM_001139443.3, NM_001300787.2); c.709G>T, p.Glu237Ter (NM_001300786.2); c.652G>T, p.Glu218Ter (NM_001363591.3); c.1173G>T, p.Met391Ile (NM_001363592.2); c.-3G>T (NM_001363593.3); short protein forms E264*, M391I, E237*, E324*, E218*.
Identifiers: ClinVar variation 2956365 (VCV002956365.3), dbSNP rs1941876047, ClinGen allele CA380846088.